The following is an entry in ClinVar:

ClinVar aggregate classification (germline): Uncertain significance (1 of 4 stars; one submission).

Allele frequency attached by ClinVar (database versions not stated): gnomAD 0.00001.
gnomAD v4.1: 1 of 1,611,326 alleles (0.000062%); highest among the groups gnomAD compares: East Asian, 0.0022%; no homozygotes.

Submission:

Labcorp Genetics (formerly Invitae), Labcorp
Classification: Uncertain significance. Last evaluated: 2022-06-09. Review status: criteria provided, single submitter. Criteria: Invitae Variant Classification Sherloc (09022015). Collection method: clinical testing. Allele origin: germline.
Comment: Algorithms developed to predict the effect of missense changes on protein structure and function output the following: SIFT: "Tolerated"; PolyPhen-2: "Benign"; Align-GVGD: "Class C0". The alanine amino acid residue is found in multiple mammalian species, which suggests that this missense change does not adversely affect protein function. This variant has not been reported in the literature in individuals affected with C7-related conditions. The frequency data for this variant in the population databases is considered unreliable, as metrics indicate poor data quality at this position in the gnomAD database. This sequence change replaces threonine, which is neutral and polar, with alanine, which is neutral and non-polar, at codon 764 of the C7 protein (p.Thr764Ala). In summary, the available evidence is currently insufficient to determine the role of this variant in disease. Therefore, it has been classified as a Variant of Uncertain Significance.

NM_000587.4(C7):c.2290A>G (p.Thr764Ala)

Gene: C7 (complement C7; plus strand). Cytogenetic location: 5p13.1.
Variant type: single nucleotide variant.
Coding change: c.2290A>G on transcript NM_000587.4 (MANE Select); coding-DNA position 2290, A replaced by G.
Protein change: p.Thr764Ala; replaces threonine 764 with alanine.
Molecular consequence: missense variant.
Genome position (GRCh38, 1-based): chr5:40,979,849, A>G. VCF-style: chr5-40979849-A-G. GRCh37 (hg19) VCF-style: chr5-40979951-A-G.
Other names: short protein forms T764A.
Identifiers: ClinVar variation 2003761 (VCV002003761.4), dbSNP rs1474503779, ClinGen allele CA359595235.